The following is an entry in ClinVar:

ClinVar aggregate classification (germline): Likely benign. Review status: criteria provided, multiple submitters, no conflicts (2 of 4 stars). 8 submissions from 8 submitters: Likely benign (6). 2 of the submissions do not count toward it. Last evaluated 2026-09-01.

Conditions:
Isolated dental anomalies.
ANKRD11-related disorder. Also called: ANKRD11-related condition.
KBG syndrome (KBGS). Also called: ANKRD11-Related KBG Syndrome. Identifiers: Orphanet 2332, MedGen C0220687, MONDO:0007846, OMIM 148050.
Inborn genetic diseases. Identifiers: MedGen C0950123, MeSH D030342.

Submissions (8):

CeGaT Center for Human Genetics Tuebingen
Classification: Likely benign. Last evaluated: 2026-09-01. Review status: criteria provided, single submitter. Criteria: CeGaT Center For Human Genetics Tuebingen Variant Classification Criteria Version 2. Collection method: clinical testing. Allele origin: germline. Affected: yes. Observed: 5 variant alleles.
Comment: ANKRD11: PM4, BS1

Women's Health and Genetics/Laboratory Corporation of America, LabCorp
Classification: Likely benign. Last evaluated: 2026-05-12. Review status: criteria provided, single submitter. Criteria: LabCorp Variant Classification Summary - May 2015. Collection method: clinical testing. Allele origin: germline.

Labcorp Genetics (formerly Invitae), Labcorp
Classification: Likely benign for KBG syndrome. Last evaluated: 2025-12-20. Review status: criteria provided, single submitter. Criteria: Invitae Variant Classification Sherloc (09022015). Collection method: clinical testing. Allele origin: germline.

Blueprint Genetics
Classification: Likely benign. Last evaluated: 2024-10-23. Review status: criteria provided, single submitter. Criteria: ACMG Guidelines, 2015. Collection method: clinical testing. Allele origin: germline.

Ambry Genetics
Classification: Likely benign for Inborn genetic diseases. Last evaluated: 2022-05-13. Review status: criteria provided, single submitter. Criteria: Ambry Variant Classification Scheme 2023. Collection method: clinical testing. Allele origin: germline.

Fulgent Genetics
Classification: Likely benign for KBG syndrome. Last evaluated: 2021-07-16. Review status: criteria provided, single submitter. Criteria: ACMG Guidelines, 2015. Collection method: clinical testing. Allele origin: unknown.

Center of Excellence in Medical Genetics Research, Chiang Mai University
Classification: Benign for Isolated dental anomalies. Last evaluated: 2026-08-18. Review status: no assertion criteria provided. Collection method: research. Allele origin: germline. Affected: yes. Observed: 2 variant alleles. Not counted in ClinVar's aggregate classification.
Comment: NM_013275.6:c.4475_4498del is an in-frame deletion in ANKRD11. This variant was identified in a heterozygous state in two unrelated probands from two families: one proband presented with a single erupted mesiodens, while the other presented with an inverted mesiodens. The in silico mutation prediction result was MutationTaster (Polymorphism; 0.999998831880223; PM4). It occurs at a low allele frequency in the gnomAD population database (gnomAD Global = 0.0004933, South Asian = 0.002701, East Asian = 0.00002229; BS1) and was observed in a homozygous state in gnomAD (BS2). In summary, based on the ACMG/AMP criteria applied (BS1, BS2), this variant is classified as Benign for isolated dental anomalies.

PreventionGenetics, part of Exact Sciences
Classification: Likely benign for ANKRD11-related condition. Last evaluated: 2019-06-27. Review status: no assertion criteria provided. Collection method: clinical testing. Allele origin: germline. Not counted in ClinVar's aggregate classification.
Comment: This variant is classified as likely benign based on ACMG/AMP sequence variant interpretation guidelines (Richards et al. 2015 PMID: 25741868, with internal and published modifications).

NM_013275.6(ANKRD11):c.4475_4498del (p.1484_1491LLRHHRDE[1])

Gene: ANKRD11 (ankyrin repeat domain 11; minus strand). Cytogenetic location: 16q24.3.
Variant type: Deletion.
Coding change: c.4475_4498del on transcript NM_013275.6 (MANE Select); coding-DNA positions 4475 to 4498, 24 bases deleted (TCCTGCGGCATCACAGGGACGAGC).
Protein change: p.1484_1491LLRHHRDE[1].
Molecular consequence: inframe deletion.
Genome position (GRCh38, 1-based): chr16:89,282,044-89,282,067, GCTCGTCCCTGTGATGCCGCAGGA deleted on the plus strand (TCCTGCGGCATCACAGGGACGAGC on the coding strand, the reverse complement: ANKRD11 is on the minus strand); deleting any 24 consecutive bases within chr16:89,282,044-89,282,089 gives the same sequence; the c. name uses the placement nearest the transcript's 3' end. VCF-style (leftmost placement, unchanged base first): chr16-89282043-TGCTCGTCCCTGTGATGCCGCAGGA-T. GRCh37 (hg19) VCF-style: chr16-89348451-TGCTCGTCCCTGTGATGCCGCAGGA-T.
Other names: c.4475_4498del, p.1484_1491LLRHHRDE[1] (NM_001256182.2, NM_001256183.2); c.4475_4498del (NM_013275.5); c.4475_4498del24 (NM_013275.6).
Identifiers: ClinVar variation 772792 (VCV000772792.32), dbSNP rs534329317, ClinGen allele CA8242095.